The following is an entry in ClinVar:

ClinVar aggregate classification (germline): Uncertain significance. Review status: criteria provided, multiple submitters, no conflicts (2 of 4 stars). 2 submissions from 2 submitters: Uncertain significance (2). Last evaluated 2023-12-03.

Conditions:
Severe combined immunodeficiency due to DNA-PKcs deficiency. Also called: IMMUNODEFICIENCY 26 WITH NEUROLOGIC ABNORMALITIES; Immunodeficiency 26 with or without neurologic abnormalities. Identifiers: Orphanet 317425, MedGen C4014833, MONDO:0014423, OMIM 615966.

Allele frequency attached by ClinVar (database versions not stated): ExAC 0.00001; gnomAD exomes 0.00003; TOPMed 0.00004; gnomAD 0.00005.
gnomAD v4.1: 56 of 1,613,588 alleles (0.0035%); highest among the groups gnomAD compares: Non-Finnish European, 0.0044%; no homozygotes.

Submissions (2):

Labcorp Genetics (formerly Invitae), Labcorp
Classification: Uncertain significance for Severe combined immunodeficiency due to DNA-PKcs deficiency. Last evaluated: 2023-12-03. Review status: criteria provided, single submitter. Criteria: Invitae Variant Classification Sherloc (09022015). Collection method: clinical testing. Allele origin: germline.
Comment: This sequence change replaces glycine, which is neutral and non-polar, with valine, which is neutral and non-polar, at codon 512 of the PRKDC protein (p.Gly512Val). This variant is present in population databases (rs549230210, gnomAD 0.006%). This variant has not been reported in the literature in individuals affected with PRKDC-related conditions. ClinVar contains an entry for this variant (Variation ID: 542007). Advanced modeling of protein sequence and biophysical properties (such as structural, functional, and spatial information, amino acid conservation, physicochemical variation, residue mobility, and thermodynamic stability) has been performed at Invitae for this missense variant, however the output from this modeling did not meet the statistical confidence thresholds required to predict the impact of this variant on PRKDC protein function. In summary, the available evidence is currently insufficient to determine the role of this variant in disease. Therefore, it has been classified as a Variant of Uncertain Significance.

Ambry Genetics
Classification: Uncertain significance. Last evaluated: 2023-02-27. Review status: criteria provided, single submitter. Criteria: Ambry Variant Classification Scheme 2023. Collection method: clinical testing. Allele origin: germline.

NM_006904.7(PRKDC):c.1535G>T (p.Gly512Val)

Gene: PRKDC (protein kinase, DNA-activated, catalytic subunit; minus strand). Cytogenetic location: 8q11.21.
Variant type: single nucleotide variant.
Coding change: c.1535G>T on transcript NM_006904.7 (MANE Select); coding-DNA position 1535, G replaced by T.
Protein change: p.Gly512Val; replaces glycine 512 with valine.
Molecular consequence: missense variant.
Genome position (GRCh38, 1-based): chr8:47,934,053, C>A on the plus strand (G>T on the coding strand, the complement: PRKDC is on the minus strand). VCF-style: chr8-47934053-C-A. GRCh37 (hg19) VCF-style: chr8-48846613-C-A.
Other names: c.1535G>T, p.Gly512Val (NM_001081640.2); short protein forms G512V.
Identifiers: ClinVar variation 542007 (VCV000542007.6), dbSNP rs549230210, ClinGen allele CA4741701.